The following is an entry in ClinVar:

NM_000543.5(SMPD1):c.518dup (p.Ser174fs)

Gene: SMPD1 (sphingomyelin phosphodiesterase 1; plus strand). Cytogenetic location: 11p15.4.
Variant type: Duplication.
Coding change: c.518dup on transcript NM_000543.5 (MANE Select); coding-DNA position 518, one base duplicated (T; older notation c.518dupT).
Protein change: p.Ser174fs; shifts the reading frame from serine 174.
Molecular consequence: frameshift variant. On other transcripts: 5 prime UTR variant (1), non-coding transcript variant (1).
Genome position (GRCh38, 1-based): chr11:6,391,583, T duplicated; the last of 4 consecutive T bases (chr11:6,391,580-6,391,583); duplicating any one gives the same sequence. VCF-style (leftmost placement, unchanged base first): chr11-6391579-A-AT. GRCh37 (hg19) VCF-style: chr11-6412809-A-AT.
Other names: c.515dup, p.Ser173fs (NM_001007593.3); c.518dup, p.Ser174fs (NM_001318087.2, NM_001365135.2); c.-444dup (NM_001318088.2); c.518dup (NM_000543.4); short protein forms S173fs, S174fs.
Identifiers: ClinVar variation 189153 (VCV000189153.23), dbSNP rs786204733, ClinGen allele CA274430.

ClinVar aggregate classification (germline): Pathogenic/Likely pathogenic. Review status: criteria provided, multiple submitters, no conflicts (2 of 4 stars). 9 submissions from 9 submitters: Pathogenic (7); Likely pathogenic (1). 1 of the submissions does not count toward it. Last evaluated 2024-08-29.

Conditions:
Niemann-Pick disease, type B. Also called: Chronic Visceral ASMD (Niemann-Pick Disease Type B; NPD-B). Identifiers: Orphanet 77293, MedGen C0268243, MONDO:0011871, OMIM 607616. Disease mechanism: loss of function.
Niemann-Pick disease, type A. Also called: Infantile Neurovisceral ASMD (Niemann-Pick Disease Type A; NPD-A); SPHINGOMYELIN LIPIDOSIS; SPHINGOMYELINASE DEFICIENCY. Identifiers: Orphanet 77292, MedGen C0268242, MONDO:0009756, OMIM 257200. Disease mechanism: loss of function.
Sphingomyelin/cholesterol lipidosis. Also called: Niemann-Pick disease. Identifiers: MedGen C0028064, MONDO:0001982.

Submissions (9):

Labcorp Genetics (formerly Invitae), Labcorp
Classification: Pathogenic for Niemann-Pick disease, type B; Niemann-Pick disease, type A. Last evaluated: 2024-08-29. Review status: criteria provided, single submitter. Criteria: Invitae Variant Classification Sherloc (09022015). Collection method: clinical testing. Allele origin: germline.
Comment: This sequence change creates a premature translational stop signal (p.Ser174Leufs*19) in the SMPD1 gene. It is expected to result in an absent or disrupted protein product. Loss-of-function variants in SMPD1 are known to be pathogenic (PMID: 12369017, 15221801). This variant is present in population databases (rs786204733, gnomAD 0.0009%). This premature translational stop signal has been observed in individual(s) with Niemann-Pick disease type A (PMID: 15221801). This variant is also known as c.512_513dupT p.F171fsX19. ClinVar contains an entry for this variant (Variation ID: 189153). For these reasons, this variant has been classified as Pathogenic.

GeneDx
Classification: Pathogenic. Last evaluated: 2024-07-23. Review status: criteria provided, single submitter. Criteria: GeneDx Variant Classification Process June 2021. Collection method: clinical testing. Allele origin: germline. Affected: yes.
Comment: Frameshift variant predicted to result in protein truncation or nonsense mediated decay in a gene for which loss of function is a known mechanism of disease; Not observed at significant frequency in large population cohorts (gnomAD); Also known as c.512_513dupT, p.F171fsX19; This variant is associated with the following publications: (PMID: 34426522, 33675270, 12369017, 34273913, 37347058, 15221801)

Natera, Inc.
Classification: Pathogenic for Niemann-Pick Disease, Types A/B. Last evaluated: 2024-05-01. Review status: criteria provided, single submitter. Criteria: Natera Variant Classification Schema (03/2026). Collection method: clinical testing. Allele origin: germline.
Comment: The c.518dupT variant in SMPD1 is a frameshift variant predicted to shift the reading frame beginning at codon 174 and leads to a stop codon 19 codons downstream. This variant is expected to result in nonsense mediated decay, truncation, or a dysfunctional protein product. This variant is rare in the general population with a frequency below the threshold expected for the associated phenotype(s). This variant has been observed in one or more individuals affected with the associated recessive disease, as either homozygous or compound heterozygous with a second variant (PMID: 34273913, 33675270). Given the available evidence, this variant is classified as Pathogenic.

Fulgent Genetics
Classification: Pathogenic for Niemann-Pick disease, type A; Niemann-Pick disease, type B. Last evaluated: 2024-02-16. Review status: criteria provided, single submitter. Criteria: ACMG Guidelines, 2015. Collection method: clinical testing. Allele origin: germline.

Baylor Genetics
Classification: Pathogenic for Niemann-Pick disease, type A. Last evaluated: 2023-04-22. Review status: criteria provided, single submitter. Criteria: ACMG Guidelines, 2015. Collection method: clinical testing. Allele origin: unknown.

Women's Health and Genetics/Laboratory Corporation of America, LabCorp
Classification: Pathogenic for Niemann-Pick disease, type A. Last evaluated: 2022-05-13. Review status: criteria provided, single submitter. Criteria: LabCorp Variant Classification Summary - May 2015. Collection method: clinical testing. Allele origin: germline.
Comment: Variant summary: SMPD1 c.518dupT (p.Ser174LeufsX19) results in a premature termination codon, predicted to cause a truncation of the encoded protein or absence of the protein due to nonsense mediated decay, which are commonly known mechanisms for disease. Truncations downstream of this position have been classified as pathogenic by our laboratory. The variant allele was found at a frequency of 4e-06 in 247298 control chromosomes. c.518dupT has been reported in the literature in individuals affected with Niemann-Pick Disease Type A. These data indicate that the variant may be associated with disease. Four clinical diagnostic laboratories have submitted clinical-significance assessments for this variant to ClinVar after 2014 without evidence for independent evaluation. All laboratories classified the variant as pathogenic/likely pathogenic. Based on the evidence outlined above, the variant was classified as pathogenic.

Diagnostics Division, CENTRE FOR DNA FINGERPRINTING AND DIAGNOSTICS
Classification: Pathogenic for Niemann-Pick disease, type A. Last evaluated: 2021-04-25. Review status: criteria provided, single submitter. Criteria: ACMG Guidelines, 2015. Collection method: research. Allele origin: germline. Affected: yes. Observed: 1 variant allele.

Broad Center for Mendelian Genomics, Broad Institute of MIT and Harvard
Classification: Likely pathogenic for Sphingomyelin/cholesterol lipidosis. Last evaluated: 2020-01-22. Review status: criteria provided, single submitter. Criteria: ACMG Guidelines, 2015. Collection method: curation. Allele origin: germline. Inheritance: Autosomal recessive inheritance.
Comment: The p.Ser174LeufsTer19 variant in SMPD1 (also known as p.Ser172LeufsTer19 due to a difference in cDNA numbering) has been reported in one individual with Niemann-Pick disease (PMID: 15221801) and has been identified in 0.001% (1/111376) of European (non-Finnish) chromosomes by the Genome Aggregation Database (gnomAD; dbSNP rs786204733). Although this variant has been seen in the general population, its frequency is low enough to be consistent with a recessive carrier frequency. This variant has also been reported in ClinVar (VariationID: 189153) as likely pathogenic by Counsyl. This variant is predicted to cause a frameshift, which alters the protein's amino acid sequence beginning at position 174 and leads to a premature termination codon 19 amino acids downstream. This alteration is then predicted to lead to a truncated or absent protein. Loss of function of the SMPD1 gene is an established disease mechanism in autosomal recessive Niemann-Pick disease. In summary, although additional studies are required to fully establish its clinical significance, this variant is likely pathogenic. ACMG/AMP Criteria applied: PVS1, PM2 (Richards 2015).

Counsyl
Classification: Likely pathogenic for Niemann-Pick disease, type A. Last evaluated: 2015-01-23. Review status: no assertion criteria provided. Collection method: literature only. Allele origin: unknown. Inheritance: Autosomal recessive inheritance. Not counted in ClinVar's aggregate classification.

Literature cited by the submitters: PubMed 12369017 (cited by Labcorp Genetics (formerly Invitae), Labcorp); PubMed 15221801 (cited by 3 submitters); PubMed 34273913 (cited by Natera, Inc.); PubMed 33675270 (cited by Natera, Inc. and Women's Health and Genetics/Laboratory Corporation of America, LabCorp).